The following is an entry in ClinVar:

NM_001003800.2(BICD2):c.1696C>T (p.Arg566Cys)

Gene: BICD2 (BICD cargo adaptor 2; minus strand). Cytogenetic location: 9q22.31.
Variant type: single nucleotide variant.
Coding change: c.1696C>T on transcript NM_001003800.2 (MANE Select); coding-DNA position 1696, C replaced by T.
Protein change: p.Arg566Cys; replaces arginine 566 with cysteine.
Molecular consequence: missense variant.
Genome position (GRCh38, 1-based): chr9:92,718,949, G>A on the plus strand (C>T on the coding strand, the complement: BICD2 is on the minus strand). VCF-style: chr9-92718949-G-A. GRCh37 (hg19) VCF-style: chr9-95481231-G-A.
Other names: c.1696C>T, p.Arg566Cys (NM_015250.4); short protein forms R566C.
Identifiers: ClinVar variation 570965 (VCV000570965.16), dbSNP rs748022488, ClinGen allele CA5126510.

ClinVar aggregate classification (germline): Conflicting classifications of pathogenicity. Review status: criteria provided, conflicting classifications (1 of 4 stars). 3 submissions from 3 submitters: Uncertain significance (1); Likely benign (2). Last evaluated 2025-03-27.

Conditions:
Autosomal dominant childhood-onset proximal spinal muscular atrophy with contractures (SMALED2A). Also called: Spinal muscular atrophy, lower extremity-predominant, 2A, autosomal dominant; SPINAL MUSCULAR ATROPHY, LOWER EXTREMITY-PREDOMINANT, 2A, CHILDHOOD ONSET, AUTOSOMAL DOMINANT. Identifiers: Orphanet 363447, Orphanet 363454, MedGen C4747715, MONDO:0014121, OMIM 615290.
BICD2-related disorder. Also called: BICD2-related condition.

Allele frequency attached by ClinVar (database versions not stated): gnomAD 0.00004 and 0.00005; TOPMed 0.00004; gnomAD exomes 0.00006; ExAC 0.00008.
gnomAD v4.1: 93 of 1,609,296 alleles (0.0058%); highest among the groups gnomAD compares: South Asian, 0.034%; 1 homozygote.

Submissions (3):

PreventionGenetics, part of Exact Sciences
Classification: Uncertain significance for BICD2-related condition. Last evaluated: 2025-03-27. Review status: criteria provided, single submitter. Criteria: ACMG Guidelines, 2015. Collection method: clinical testing. Allele origin: germline.
Comment: The BICD2 c.1696C>T variant is predicted to result in the amino acid substitution p.Arg566Cys. To our knowledge, this variant has not been reported in the literature. This variant is reported in 0.026% of alleles in individuals of South Asian descent in gnomAD. Although we suspect that this variant may be benign, at this time, the clinical significance of this variant is uncertain due to the absence of conclusive functional and genetic evidence.

Labcorp Genetics (formerly Invitae), Labcorp
Classification: Likely benign for Autosomal dominant childhood-onset proximal spinal muscular atrophy with contractures. Last evaluated: 2025-03-03. Review status: criteria provided, single submitter. Criteria: Invitae Variant Classification Sherloc (09022015). Collection method: clinical testing. Allele origin: germline.

GeneDx
Classification: Likely benign. Last evaluated: 2019-11-04. Review status: criteria provided, single submitter. Criteria: GeneDx Variant Classification Process June 2021. Collection method: clinical testing. Allele origin: germline. Affected: yes.